The following is an entry in ClinVar:

NM_001430.5(EPAS1):c.49_51del (p.Glu17del)

Gene: EPAS1 (endothelial PAS domain protein 1; plus strand). Cytogenetic location: 2p21.
Variant type: Deletion.
Coding change: c.49_51del on transcript NM_001430.5 (MANE Select); coding-DNA positions 49 to 51, 3 bases deleted (GAG; older notation c.49_51delGAG).
Protein change: p.Glu17del; deletes glutamic acid 17.
Molecular consequence: inframe deletion.
Genome position (GRCh38, 1-based): chr2:46,346,895-46,346,897, GAG deleted; deleting any 3 consecutive bases within chr2:46,346,893-46,346,897 gives the same sequence; the c. name uses the placement nearest the transcript's 3' end. VCF-style (leftmost placement, unchanged base first): chr2-46346892-AAGG-A. GRCh37 (hg19) VCF-style: chr2-46574031-AAGG-A.
Other names: short protein forms E17del.
Identifiers: ClinVar variation 4746971 (VCV004746971.1).

ClinVar aggregate classification (germline): Uncertain significance (1 of 4 stars; one submission).

Submission:

Labcorp Genetics (formerly Invitae), Labcorp
Classification: Uncertain significance. Last evaluated: 2025-07-15. Review status: criteria provided, single submitter. Criteria: Invitae Variant Classification Sherloc (09022015). Collection method: clinical testing. Allele origin: germline.
Comment: This variant, c.49_51del, results in the deletion of 1 amino acid(s) of the EPAS1 protein (p.Glu17del), but otherwise preserves the integrity of the reading frame. This variant is present in population databases (no rsID available, gnomAD 0.003%). This variant has been observed in individuals with erythrocytosis (PMID: 27651169; internal data). This variant is also known as c.47delAGG p.del17E. In summary, the available evidence is currently insufficient to determine the role of this variant in disease. Therefore, it has been classified as a Variant of Uncertain Significance.

Literature cited by the submitters: PubMed 27651169.